The following is an entry in ClinVar:

ClinVar aggregate classification (germline): Uncertain significance (1 of 4 stars; one submission).

Submission:

GeneDx
Classification: Uncertain significance. Last evaluated: 2024-05-23. Review status: criteria provided, single submitter. Criteria: GeneDx Variant Classification Process June 2021. Collection method: clinical testing. Allele origin: germline. Affected: yes.
Comment: Reported using an alternate transcript of the gene; Not observed at significant frequency in large population cohorts (gnomAD); Frameshift variant predicted to result in protein truncation or nonsense mediated decay in an alternate transcript for which loss-of-function is not an established mechanism of disease; Has not been previously published as pathogenic or benign to our knowledge

NM_001913.5(CUX1):c.1754del (p.Phe585fs)

Gene: CUX1 (cut like homeobox 1; plus strand). Cytogenetic location: 7q22.1.
Variant type: Deletion.
Coding change: c.1754del on transcript NM_001913.5 (MANE Plus Clinical); coding-DNA position 1754, one base deleted (T; older notation c.1754delT).
Protein change: p.Phe585fs; shifts the reading frame from phenylalanine 585.
Molecular consequence: frameshift variant.
Genome position (GRCh38, 1-based): chr7:102,280,110, T deleted; the last of 2 consecutive T bases (chr7:102,280,109-102,280,110); deleting either gives the same sequence. VCF-style (leftmost placement, unchanged base first): chr7-102280108-CT-C. GRCh37 (hg19) VCF-style: chr7-101923400-CT-C.
Other names: c.1706del, p.Phe569fs (NM_001202544.3); c.1616del, p.Phe539fs (NM_001202545.3); c.1637del, p.Phe546fs (NM_001202546.3); c.1748del, p.Phe583fs (NM_181500.4); short protein forms F539fs, F546fs, F569fs, F583fs, F585fs.
Identifiers: ClinVar variation 3381623 (VCV003381623.1).